The following is an entry in ClinVar:

NM_005912.3(MC4R):c.781T>C (p.Phe261Leu)

Gene: MC4R (melanocortin 4 receptor; minus strand). Cytogenetic location: 18q21.32.
Variant type: single nucleotide variant.
Coding change: c.781T>C on transcript NM_005912.3 (MANE Select); coding-DNA position 781, T replaced by C.
Protein change: p.Phe261Leu; replaces phenylalanine 261 with leucine.
Molecular consequence: missense variant.
Genome position (GRCh38, 1-based): chr18:60,371,569, A>G on the plus strand (T>C on the coding strand, the complement: MC4R is on the minus strand). VCF-style: chr18-60371569-A-G. GRCh37 (hg19) VCF-style: chr18-58038802-A-G.
Other names: short protein forms F261L.
Identifiers: ClinVar variation 4988575 (VCV004988575.1).

ClinVar aggregate classification (germline): Uncertain significance (1 of 4 stars; one submission).

Conditions:
MC4R-related disorder. Also called: MC4R-related condition.

Submission:

PreventionGenetics, part of Exact Sciences
Classification: Uncertain significance for MC4R-related condition. Last evaluated: 2025-09-01. Review status: criteria provided, single submitter. Criteria: ACMG Guidelines, 2015. Collection method: clinical testing. Allele origin: germline.
Comment: The MC4R c.781T>C variant is predicted to result in the amino acid substitution p.Phe261Leu. To our knowledge, this variant has not been reported in the literature. This variant is reported in 0.00088% of alleles in individuals of European (Non-Finnish) descent in gnomAD. At this time, the clinical significance of this variant is uncertain due to the absence of conclusive functional and genetic evidence.